The following is an entry in ClinVar:

NM_000463.3(UGT1A1):c.1047G>A (p.Thr349=)

Genes: UGT1A (UDP glucuronosyltransferase family 1 member A complex locus; plus strand), UGT1A1 (UDP glucuronosyltransferase family 1 member A1; plus strand), UGT1A10 (UDP glucuronosyltransferase family 1 member A10; plus strand), UGT1A3 (UDP glucuronosyltransferase family 1 member A3; plus strand), UGT1A4 (UDP glucuronosyltransferase family 1 member A4; plus strand) and 5 more. Cytogenetic location: 2q37.1.
Variant type: single nucleotide variant.
Coding change: c.1047G>A on transcript NM_000463.3 (MANE Select); coding-DNA position 1047, G replaced by A.
Protein change: p.Thr349=; no amino-acid change (threonine 349 retained).
Molecular consequence: synonymous variant.
Genome position (GRCh38, 1-based): chr2:233,767,899, G>A. VCF-style: chr2-233767899-G-A. GRCh37 (hg19) VCF-style: chr2-234676545-G-A.
Other names: c.1050G>A, p.Thr350= (NM_019078.2, NM_007120.3, NM_019093.4); c.1038G>A, p.Thr346= (NM_021027.3, NM_019076.5, NM_019077.3 and 1 more transcripts); c.1044G>A, p.Thr348= (NM_001072.4); c.243G>A, p.Thr81= (NM_205862.3).
Identifiers: ClinVar variation 3053921 (VCV003053921.2), dbSNP rs377501831, ClinGen allele CA2179977.

ClinVar aggregate classification (germline): Likely benign (0 of 4 stars; one submission).

Conditions:
UGT1A1-related disorder. Also called: UGT1A1-related condition; UGT1A1-related disorders.

Allele frequency attached by ClinVar (database versions not stated): gnomAD 0.00001; TOPMed 0.00003; ExAC 0.00005; ESP Exome Variant Server 0.00008.
gnomAD v4.1: 38 of 1,614,024 alleles (0.0024%); highest among the groups gnomAD compares: Admixed American, 0.0083%; no homozygotes.

Submission:

PreventionGenetics, part of Exact Sciences
Classification: Likely benign for UGT1A1-related condition. Last evaluated: 2023-10-10. Review status: no assertion criteria provided. Collection method: clinical testing. Allele origin: germline.
Comment: This variant is classified as likely benign based on ACMG/AMP sequence variant interpretation guidelines (Richards et al. 2015 PMID: 25741868, with internal and published modifications).